The following is an entry in ClinVar:

NM_000038.6(APC):c.3139del (p.Glu1047fs)

Gene: APC (APC regulator of Wnt signaling pathway; plus strand). Cytogenetic location: 5q22.2.
Variant type: Deletion.
Coding change: c.3139del on transcript NM_000038.6 (MANE Select); coding-DNA position 3139, one base deleted (G; older notation c.3139delG).
Protein change: p.Glu1047fs; shifts the reading frame from glutamic acid 1047.
Molecular consequence: frameshift variant.
Genome position (GRCh38, 1-based): chr5:112,838,733, G deleted. VCF-style (leftmost placement, unchanged base first): chr5-112838732-TG-T. GRCh37 (hg19) VCF-style: chr5-112174429-TG-T.
Other names: c.3139del, p.Glu1047fs (NM_001127510.3, NM_001354895.2); c.3085del, p.Glu1029fs (NM_001127511.3); c.3193del, p.Glu1065fs (NM_001354896.2); c.3169del, p.Glu1057fs (NM_001354897.2); c.3064del, p.Glu1022fs (NM_001354898.2); c.3055del, p.Glu1019fs (NM_001354899.2); c.3016del, p.Glu1006fs (NM_001354900.2); c.2962del, p.Glu988fs (NM_001354901.2); and 16 more; short protein forms E1047fs, E921fs, E1006fs, E1019fs, E946fs, E988fs, E1029fs, E764fs.
Identifiers: ClinVar variation 1728050 (VCV001728050.2), dbSNP rs2533474022, ClinGen allele CA2580072820.

ClinVar aggregate classification (germline): Pathogenic (1 of 4 stars; one submission).

Conditions:
Hereditary cancer-predisposing syndrome. Also called: Tumor predisposition; Neoplastic Syndromes, Hereditary; Hereditary Cancer Syndrome; Hereditary neoplastic syndrome. Identifiers: Orphanet 140162, MedGen C0027672, MeSH D009386, MONDO:0015356.

Submission:

Ambry Genetics
Classification: Pathogenic for Hereditary cancer-predisposing syndrome. Last evaluated: 2016-10-13. Review status: criteria provided, single submitter. Criteria: Ambry Variant Classification Scheme 2023. Collection method: clinical testing. Allele origin: germline.
Comment: The c.3139delG pathogenic mutation, located in coding exon 15 of the APC gene, results from a deletion of one nucleotide at nucleotide position 3139, causing a translational frameshift with a predicted alternate stop codon. This alteration is expected to result in loss of function by premature protein truncation or nonsense-mediated mRNA decay. As such, this alteration is interpreted as a disease-causing mutation.